The following is an entry in ClinVar:

ClinVar aggregate classification (germline): Uncertain significance (1 of 4 stars; one submission).

Conditions:
Early-infantile DEE. Also called: Ohtahara syndrome; Early infantile epileptic encephalopathy; Early infantile epileptic encephalopathy with suppression bursts. Identifiers: Orphanet 1934, MedGen C0393706, MONDO:0800491.

gnomAD v4.1: 1 of 1,613,106 alleles (0.000062%); highest among the groups gnomAD compares: Non-Finnish European, 0.000085%; no homozygotes.

Submission:

Labcorp Genetics (formerly Invitae), Labcorp
Classification: Uncertain significance for Early-infantile DEE. Last evaluated: 2025-07-14. Review status: criteria provided, single submitter. Criteria: Invitae Variant Classification Sherloc (09022015). Collection method: clinical testing. Allele origin: germline.
Comment: This sequence change replaces arginine, which is basic and polar, with proline, which is neutral and non-polar, at codon 1575 of the SCN1A protein (p.Arg1575Pro). This variant is not present in population databases (gnomAD no frequency). This variant has not been reported in the literature in individuals affected with SCN1A-related conditions. ClinVar contains an entry for this variant (Variation ID: 1515669). Invitae Evidence Modeling of protein sequence and biophysical properties (such as structural, functional, and spatial information, amino acid conservation, physicochemical variation, residue mobility, and thermodynamic stability) has been performed for this missense variant. However, the output from this modeling did not meet the statistical confidence thresholds required to predict the impact of this variant on SCN1A protein function. In summary, the available evidence is currently insufficient to determine the role of this variant in disease. Therefore, it has been classified as a Variant of Uncertain Significance.

NM_001165963.4(SCN1A):c.4724G>C (p.Arg1575Pro)

Genes: SCN1A (sodium voltage-gated channel alpha subunit 1; minus strand), LOC102724058 (uncharacterized LOC102724058; plus strand). Cytogenetic location: 2q24.3.
Variant type: single nucleotide variant.
Coding change: c.4724G>C on transcript NM_001165963.4 (MANE Select); coding-DNA position 4724, G replaced by C.
Protein change: p.Arg1575Pro; replaces arginine 1575 with proline.
Molecular consequence: missense variant. On other transcripts: non-coding transcript variant (1).
Genome position (GRCh38, 1-based): chr2:165,994,274, C>G on the plus strand (G>C on the coding strand, the complement: SCN1A is on the minus strand). VCF-style: chr2-165994274-C-G. GRCh37 (hg19) VCF-style: chr2-166850784-C-G.
Other names: c.4640G>C, p.Arg1547Pro (NM_001165964.3, NM_001353957.2, NM_001353958.2); c.4724G>C, p.Arg1575Pro (NM_001202435.3, NM_001353948.2); c.4691G>C, p.Arg1564Pro (NM_001353949.2, NM_001353950.2, NM_001353951.2 and 2 more transcripts); c.4688G>C, p.Arg1563Pro (NM_001353954.2, NM_001353955.2); c.4637G>C, p.Arg1546Pro (NM_001353960.2); c.2282G>C, p.Arg761Pro (NM_001353961.2); short protein forms R1563P, R1546P, R1564P, R1575P, R761P, R1547P.
Identifiers: ClinVar variation 1515669 (VCV001515669.9), dbSNP rs368834365, ClinGen allele CA349071870.
Genomic context (GRCh38, chr2:165,994,274, plus strand): 5'-AGAGAGATGAGTTTCAGTACACACTCTCCAGTAAATAGCACAATGAACACCAGATTGATG[C>G]GTGACAAAATGGTAGTCACATATTCACTCTGGTCATCTGTTTCCACCATCATTGTGACCA-3'
Protein context (NP_001159435.1, residues 1565-1585): QSEYVTTILS[Arg1575Pro]INLVFIVLFT